The following is an entry in ClinVar:

ClinVar aggregate classification (germline): Conflicting classifications of pathogenicity. Review status: criteria provided, conflicting classifications (1 of 4 stars). 2 submissions from 2 submitters: Likely pathogenic (1); Uncertain significance (1). Last evaluated 2024-05-11.

Conditions:
Cobalamin C disease. Also called: Cobalamin-C methylmalonic acidemia and homocystinuria; Methylmalonic aciduria and homocystinuria, Vitamin B12-responsive; Vitamin B12 metabolic defect with combined deficiency of methylmalonyl-CoA mutase and homocysteine:methyltetrahydrofolate methyltransferase; Methylmalonic aciduria with homocystinuria cblC type; Methylmalonic acidemia and homocystinuria cblC type; methylmalonic aciduria and homocystinuria type cblC. Identifiers: Orphanet 26, Orphanet 79282, MedGen C1848561, MONDO:0010184, OMIM 277400.

gnomAD v4.1: 1 of 1,614,182 alleles (0.000062%); highest among the groups gnomAD compares: East Asian, 0.0022%; no homozygotes.

Submissions (2):

Fulgent Genetics
Classification: Uncertain significance for Cobalamin C disease. Last evaluated: 2024-05-11. Review status: criteria provided, single submitter. Criteria: ACMG Guidelines, 2015. Collection method: clinical testing. Allele origin: germline.

Juno Genomics, Hangzhou Juno Genomics, Inc
Classification: Likely pathogenic for Cobalamin C disease. Review status: criteria provided, single submitter. Criteria: ACMG Guidelines, 2015. Collection method: clinical testing. Allele origin: germline. Affected: yes.
Comment: Absent from controls (or at extremely low frequency if recessive) in Genome Aggregation Database, Exome Sequencing Project, 1000 Genomes Project, or Exome Aggregation Consortium.;Multiple lines of computational evidence support a deleterious effect on the gene or gene product (conservation, evolutionary, splicing impact, etc).;For recessive disorders, detected in trans with a pathogenic variant.

NM_015506.3(MMACHC):c.604G>T (p.Asp202Tyr)

Genes: MMACHC (metabolism of cobalamin associated C; plus strand), LOC129930446 (ATAC-STARR-seq lymphoblastoid active region 972; plus strand). Cytogenetic location: 1p34.1.
Variant type: single nucleotide variant.
Coding change: c.604G>T on transcript NM_015506.3 (MANE Select); coding-DNA position 604, G replaced by T.
Protein change: p.Asp202Tyr; replaces aspartic acid 202 with tyrosine.
Molecular consequence: missense variant.
Genome position (GRCh38, 1-based): chr1:45,508,970, G>T. VCF-style: chr1-45508970-G-T. GRCh37 (hg19) VCF-style: chr1-45974642-G-T.
Other names: c.433G>T, p.Asp145Tyr (NM_001330540.2); short protein forms D145Y, D202Y.
Identifiers: ClinVar variation 3585149 (VCV003585149.3).